The following is an entry in ClinVar:

NM_139076.3(ABRAXAS1):c.364C>G (p.Gln122Glu)

Gene: ABRAXAS1 (abraxas 1, BRCA1 A complex subunit; minus strand). Cytogenetic location: 4q21.23.
Variant type: single nucleotide variant.
Coding change: c.364C>G on transcript NM_139076.3 (MANE Select); coding-DNA position 364, C replaced by G.
Protein change: p.Gln122Glu; replaces glutamine 122 with glutamic acid.
Molecular consequence: missense variant.
Genome position (GRCh38, 1-based): chr4:83,470,315, G>C on the plus strand (C>G on the coding strand, the complement: ABRAXAS1 is on the minus strand). VCF-style: chr4-83470315-G-C. GRCh37 (hg19) VCF-style: chr4-84391468-G-C.
Other names: p.Q122E:CAG>GAG; c.37C>G, p.Gln13Glu (NM_001345962.2); short protein forms Q122E, Q13E.
Identifiers: ClinVar variation 128220 (VCV000128220.14), dbSNP rs137876115, ClinGen allele CA288643.

ClinVar aggregate classification (germline): Conflicting classifications of pathogenicity. Review status: criteria provided, conflicting classifications (1 of 4 stars). 3 submissions from 3 submitters: Uncertain significance (1); Benign (1); Likely benign (1). Last evaluated 2025-12-03.

Allele frequency attached by ClinVar (database versions not stated): 1000 Genomes Project 30x 0.00047; TOPMed 0.00155; 1000 Genomes Project 0.00040; ESP Exome Variant Server 0.00238.

Submissions (3):

Labcorp Genetics (formerly Invitae), Labcorp
Classification: Benign. Last evaluated: 2025-12-03. Review status: criteria provided, single submitter. Criteria: Invitae Variant Classification Sherloc (09022015). Collection method: clinical testing. Allele origin: germline.

Women's Health and Genetics/Laboratory Corporation of America, LabCorp
Classification: Likely benign. Last evaluated: 2017-01-16. Review status: criteria provided, single submitter. Criteria: LabCorp Variant Classification Summary - May 2015. Collection method: clinical testing. Allele origin: germline.
Comment: Variant summary: The FAM175A c.364C>G (p.Gln122Glu) variant involves the alteration of a conserved nucleotide. 3/4 in silico tools predict a benign outcome for this variant (SNPs&GO not captured due to low reliability index). This variant was found in 56/123538 control chromosomes at a frequency of 0.0004533, which is approximately 15 times the estimated maximal expected allele frequency of a pathogenic FAM175A variant (0.0000313), suggesting this variant is likely a benign polymorphism. This variant has been reported in three patients with early onset breast cancer without strong evidence supporting its pathogenicity (Renault_2016). In addition, one clinical diagnostic laboratory classified this variant as uncertain significance. Taken together, this variant is classified as likely benign.

GeneDx
Classification: Uncertain significance. Last evaluated: 2014-03-03. Review status: criteria provided, single submitter. Criteria: GeneDx Variant Classification (06012015). Collection method: clinical testing. Allele origin: germline. Affected: yes.
Comment: FAM175A has only recently been described in association with cancer predisposition and the risks are not well understood. This variant is denoted FAM175A c.364C>G at the cDNA level, p.Gln122Glu (Q122E) at the protein level, and results in the change of a Glutamine to a Glutamic Acid (CAG>GAG). This variant has not, to our knowledge, been published in the literature as pathogenic or benign. FAM175A Gln122Glu was observed with an allele frequency of 0.2% in Africans in 1000 Genomes and 0.7% in African Americans in the NHLBI Exome Sequencing Project. Since Glutamine and Glutamic Acid differ in some properties, this is considered a semi-conservative amino acid substitution and may affect secondary protein structure. FAM175A Gln122Glu occurs at a position that is highly conserved across species and is not located in a known functional domain. In silico analyses predict that this variant is unlikely to alter protein structure or function. On a molecular level, the impact of this missense variant on protein structure and function is not known and thus we consider this to be a variant of uncertain significance. Furthermore, based on the currently available information, cancer risks associated with this variant, and the FAM175A gene, remain unclear.

Literature cited by the submitters: PubMed 27270457 (cited by Women's Health and Genetics/Laboratory Corporation of America, LabCorp).